The following is an entry in ClinVar:

NM_014324.6(AMACR):c.961C>G (p.Gln321Glu)

Genes: AMACR (alpha-methylacyl-CoA racemase; minus strand), C1QTNF3-AMACR (C1QTNF3-AMACR readthrough (NMD candidate); minus strand). Cytogenetic location: 5p13.2.
Variant type: single nucleotide variant.
Coding change: c.961C>G on transcript NM_014324.6 (MANE Select); coding-DNA position 961, C replaced by G.
Protein change: p.Gln321Glu; replaces glutamine 321 with glutamic acid.
Molecular consequence: missense variant. On other transcripts: non-coding transcript variant (1), 3 prime UTR variant (1).
Genome position (GRCh38, 1-based): chr5:33,989,281, G>C on the plus strand (C>G on the coding strand, the complement: AMACR is on the minus strand). VCF-style: chr5-33989281-G-C. GRCh37 (hg19) VCF-style: chr5-33989386-G-C.
Other names: c.961C>G, p.Gln321Glu (NM_001167595.2); c.*203C>G (NM_203382.3); short protein forms Q321E.
Identifiers: ClinVar variation 2091074 (VCV002091074.3), dbSNP rs2478952088, ClinGen allele CA359398928.

ClinVar aggregate classification (germline): Uncertain significance (1 of 4 stars; one submission).

Conditions:
Alpha-methylacyl-CoA racemase deficiency (AMACRD). Also called: AMACR deficiency. Identifiers: Orphanet 79095, MedGen C3280428, MONDO:0013681, OMIM 614307. Disease mechanism: loss of function.

Submission:

Labcorp Genetics (formerly Invitae), Labcorp
Classification: Uncertain significance for Alpha-methylacyl-CoA racemase deficiency. Last evaluated: 2022-05-24. Review status: criteria provided, single submitter. Criteria: Invitae Variant Classification Sherloc (09022015). Collection method: clinical testing. Allele origin: germline.
Comment: In summary, the available evidence is currently insufficient to determine the role of this variant in disease. Therefore, it has been classified as a Variant of Uncertain Significance. Algorithms developed to predict the effect of missense changes on protein structure and function (SIFT, PolyPhen-2, Align-GVGD) all suggest that this variant is likely to be tolerated. This variant has not been reported in the literature in individuals affected with AMACR-related conditions. This variant is not present in population databases (gnomAD no frequency). This sequence change replaces glutamine, which is neutral and polar, with glutamic acid, which is acidic and polar, at codon 321 of the AMACR protein (p.Gln321Glu).